The following is an entry in ClinVar:

ClinVar aggregate classification (germline): Conflicting classifications of pathogenicity. Review status: criteria provided, conflicting classifications (1 of 4 stars). 2 submissions from 2 submitters: Likely pathogenic (1); Uncertain significance (1). Last evaluated 2023-11-12.

Conditions:
Oligodontia-cancer predisposition syndrome. Also called: TOOTH AGENESIS-COLORECTAL CANCER SYNDROME. Identifiers: Orphanet 300576, MedGen C1837750, MONDO:0012075, OMIM 608615. Disease mechanism: loss of function.

Submissions (2):

GeneDx
Classification: Uncertain significance. Last evaluated: 2023-11-12. Review status: criteria provided, single submitter. Criteria: GeneDx Variant Classification Process June 2021. Collection method: clinical testing. Allele origin: germline. Affected: yes.
Comment: Not observed at significant frequency in large population cohorts (gnomAD); Canonical splice site variant in a gene or region of a gene for which loss of function is not a well-established mechanism of disease; Has not been previously published as pathogenic or benign to our knowledge

Molecular Diagnostics Laboratory, M Health Fairview: University of Minnesota
Classification: Likely pathogenic for Oligodontia-cancer predisposition syndrome. Last evaluated: 2021-02-11. Review status: criteria provided, single submitter. Criteria: ACMG Guidelines, 2015. Collection method: clinical testing. Allele origin: germline.

NM_004655.4(AXIN2):c.956+1G>A

Gene: AXIN2 (axin 2; minus strand). Cytogenetic location: 17q24.1.
Variant type: single nucleotide variant.
Coding change: c.956+1G>A on transcript NM_004655.4 (MANE Select); the canonical splice donor site of the intron after coding-DNA position 956, G replaced by A.
Molecular consequence: splice donor variant.
Genome position (GRCh38, 1-based): chr17:65,549,519, C>T on the plus strand (G>A on the coding strand, the complement: AXIN2 is on the minus strand). VCF-style: chr17-65549519-C-T. GRCh37 (hg19) VCF-style: chr17-63545637-C-T.
Other names: c.956+1G>A (NM_001363813.1).
Identifiers: ClinVar variation 1065340 (VCV001065340.2), dbSNP rs2144537386, ClinGen allele CA400679412.